The following is an entry in ClinVar:

ClinVar aggregate classification (germline): Uncertain significance (1 of 4 stars; one submission).

Conditions:
Familial thoracic aortic aneurysm and aortic dissection (TAAD). Also called: Thoracic aortic aneurysms and dissections. Identifiers: Orphanet 91387, MedGen C4707243, MONDO:0019625.

Allele frequency attached by ClinVar (database versions not stated): gnomAD exomes below 0.00001; gnomAD 0.00001; ExAC 0.00002; TOPMed 0.00003; ESP Exome Variant Server 0.00008.
gnomAD v4.1: 4 of 1,602,656 alleles (0.00025%); highest among the groups gnomAD compares: African/African-American, 0.0053%; no homozygotes.

Submission:

Ambry Genetics
Classification: Uncertain significance for Familial thoracic aortic aneurysm and aortic dissection. Last evaluated: 2021-07-27. Review status: criteria provided, single submitter. Criteria: Ambry Variant Classification Scheme 2023. Collection method: clinical testing. Allele origin: germline.
Comment: The p.N1195S variant (also known as c.3584A>G), located in coding exon 17 of the MYLK gene, results from an A to G substitution at nucleotide position 3584. The asparagine at codon 1195 is replaced by serine, an amino acid with highly similar properties. This amino acid position is conserved. In addition, this alteration is predicted to be tolerated by in silico analysis. Since supporting evidence is limited at this time, the clinical significance of this alteration remains unclear.

NM_053025.4(MYLK):c.3584A>G (p.Asn1195Ser)

Gene: MYLK (myosin light chain kinase; minus strand). Cytogenetic location: 3q21.1.
Variant type: single nucleotide variant.
Coding change: c.3584A>G on transcript NM_053025.4 (MANE Select); coding-DNA position 3584, A replaced by G.
Protein change: p.Asn1195Ser; replaces asparagine 1195 with serine.
Molecular consequence: missense variant.
Genome position (GRCh38, 1-based): chr3:123,682,292, T>C on the plus strand (A>G on the coding strand, the complement: MYLK is on the minus strand). VCF-style: chr3-123682292-T-C. GRCh37 (hg19) VCF-style: chr3-123401139-T-C.
Other names: c.3056A>G, p.Asn1019Ser (NM_001321309.2); c.3377A>G, p.Asn1126Ser (NM_053026.4, NM_053028.4); c.3584A>G, p.Asn1195Ser (NM_053027.4); short protein forms N1195S, N1019S, N1126S.
Identifiers: ClinVar variation 1732921 (VCV001732921.2), dbSNP rs370979375, ClinGen allele CA069864.